The following is an entry in ClinVar:

ClinVar aggregate classification (germline): Likely benign (1 of 4 stars; one submission).

Conditions:
PLXNA3-related disorder. Also called: PLXNA3-related condition.

Submission:

PreventionGenetics, part of Exact Sciences
Classification: Likely benign for PLXNA3-related condition. Last evaluated: 2026-08-08. Review status: criteria provided, single submitter. Criteria: ACMG Guidelines, 2015. Collection method: clinical testing. Allele origin: germline.
Comment: This variant is classified as likely benign based on ACMG/AMP sequence variant interpretation guidelines (Richards et al. 2015 PMID: 25741868, with internal and published modifications).

NM_017514.5(PLXNA3):c.3744C>T (p.Asp1248=)

Gene: PLXNA3 (plexin A3; plus strand). Cytogenetic location: Xq28.
Variant type: single nucleotide variant.
Coding change: c.3744C>T on transcript NM_017514.5 (MANE Select); coding-DNA position 3744, C replaced by T.
Protein change: p.Asp1248=; no amino-acid change (aspartic acid 1248 retained).
Molecular consequence: synonymous variant.
Genome position (GRCh38, 1-based): chrX:154,467,925, C>T. VCF-style: chrX-154467925-C-T. GRCh37 (hg19) VCF-style: chrX-153696268-C-T.
Identifiers: ClinVar variation 4990409 (VCV004990409.1).
Genomic context (GRCh38, chrX:154,467,925, plus strand): 5'-TGGGCTCCTGCTGCTGGCCATCACAGCCGTGCTGGTGGCCTACAAGCGCAAGACTCAGGA[C>T]GCGGACCGTACCCTCAAGCGTCTGCAGCTGCAGATGGACAACCTGGAGTCCCGTGTGGCC-3'
Protein context (NP_059984.3, residues 1238-1258): VLVAYKRKTQ[Asp1248=]ADRTLKRLQL